The following is an entry in ClinVar:

NM_002880.4(RAF1):c.1421T>C (p.Ile474Thr)

Gene: RAF1 (Raf-1 proto-oncogene, serine/threonine kinase; minus strand). Cytogenetic location: 3p25.2.
Variant type: single nucleotide variant.
Coding change: c.1421T>C on transcript NM_002880.4 (MANE Select); coding-DNA position 1421, T replaced by C.
Protein change: p.Ile474Thr; replaces isoleucine 474 with threonine.
Molecular consequence: missense variant. On other transcripts: non-coding transcript variant (3).
Genome position (GRCh38, 1-based): chr3:12,585,796, A>G on the plus strand (T>C on the coding strand, the complement: RAF1 is on the minus strand). VCF-style: chr3-12585796-A-G. GRCh37 (hg19) VCF-style: chr3-12627295-A-G.
Other names: c.1481T>C, p.Ile494Thr (NM_001354689.3); c.1421T>C, p.Ile474Thr (NM_001354690.3); c.1178T>C, p.Ile393Thr (NM_001354691.3, NM_001354692.3); c.1322T>C, p.Ile441Thr (NM_001354693.3); c.1238T>C, p.Ile413Thr (NM_001354694.3); c.1079T>C, p.Ile360Thr (NM_001354695.3); short protein forms I360T, I413T, I474T, I393T, I494T, I441T.
Identifiers: ClinVar variation 1973103 (VCV001973103.5), dbSNP rs2058315536, ClinGen allele CA351499304.

ClinVar aggregate classification (germline): Uncertain significance (1 of 4 stars; one submission).

Conditions:
RASopathy. Also called: rasopathies; Noonan spectrum disorder. Identifiers: Orphanet 536391, MedGen C5555857, MONDO:0021060.

Allele frequency attached by ClinVar (database versions not stated): gnomAD exomes below 0.00001; gnomAD 0.00001.
gnomAD v4.1: 3 of 1,602,550 alleles (0.00019%); highest among the groups gnomAD compares: South Asian, 0.0011%; no homozygotes.

Submission:

Labcorp Genetics (formerly Invitae), Labcorp
Classification: Uncertain significance for RASopathy. Last evaluated: 2022-10-07. Review status: criteria provided, single submitter. Criteria: Invitae Variant Classification Sherloc (09022015). Collection method: clinical testing. Allele origin: germline.
Comment: This variant is not present in population databases (gnomAD no frequency). This variant has not been reported in the literature in individuals affected with RAF1-related conditions. Advanced modeling of protein sequence and biophysical properties (such as structural, functional, and spatial information, amino acid conservation, physicochemical variation, residue mobility, and thermodynamic stability) performed at Invitae indicates that this missense variant is expected to disrupt RAF1 protein function. In summary, the available evidence is currently insufficient to determine the role of this variant in disease. Therefore, it has been classified as a Variant of Uncertain Significance. This sequence change replaces isoleucine, which is neutral and non-polar, with threonine, which is neutral and polar, at codon 474 of the RAF1 protein (p.Ile474Thr).